The following is an entry in ClinVar:

NM_015909.4(NBAS):c.1437A>G (p.Ile479Met)

Gene: NBAS (NBAS subunit of NRZ tethering complex; minus strand). Cytogenetic location: 2p24.3.
Variant type: single nucleotide variant.
Coding change: c.1437A>G on transcript NM_015909.4 (MANE Select); coding-DNA position 1437, A replaced by G.
Protein change: p.Ile479Met; replaces isoleucine 479 with methionine.
Molecular consequence: missense variant. On other transcripts: non-coding transcript variant (1).
Genome position (GRCh38, 1-based): chr2:15,474,229, T>C on the plus strand (A>G on the coding strand, the complement: NBAS is on the minus strand). VCF-style: chr2-15474229-T-C. GRCh37 (hg19) VCF-style: chr2-15614353-T-C.
Other names: short protein forms I479M.
Identifiers: ClinVar variation 2049069 (VCV002049069.4), dbSNP rs2528139176, ClinGen allele CA345888826.
Genomic context (GRCh38, chr2:15,474,229, plus strand): 5'-CATTTCAGTCACCAAGTAAAGGCCCTGTTTTATATAACCAAAGTAGCGAGCCTTGGCAGA[T>C]ATTTCATAATCAGAATCAGAATCCTCTTCTCCTTCATCTTCTTCTCCAGCTCTAGTCTCC-3'
Protein context (NP_056993.2, residues 469-489): GEEDSDSDYE[Ile479Met]SAKARYFGYI

ClinVar aggregate classification (germline): Uncertain significance (1 of 4 stars; one submission).

gnomAD v4.1: 1 of 1,614,132 alleles (0.000062%); no homozygotes.

Submission:

Labcorp Genetics (formerly Invitae), Labcorp
Classification: Uncertain significance. Last evaluated: 2021-12-19. Review status: criteria provided, single submitter. Criteria: Invitae Variant Classification Sherloc (09022015). Collection method: clinical testing. Allele origin: germline.
Comment: This sequence change replaces isoleucine, which is neutral and non-polar, with methionine, which is neutral and non-polar, at codon 479 of the NBAS protein (p.Ile479Met). This variant is not present in population databases (gnomAD no frequency). This variant has not been reported in the literature in individuals affected with NBAS-related conditions. Algorithms developed to predict the effect of missense changes on protein structure and function output the following: SIFT: "Deleterious"; PolyPhen-2: "Benign"; Align-GVGD: "Class C0". The methionine amino acid residue is found in multiple mammalian species, which suggests that this missense change does not adversely affect protein function. In summary, the available evidence is currently insufficient to determine the role of this variant in disease. Therefore, it has been classified as a Variant of Uncertain Significance.